The following is an entry in ClinVar:

NM_012120.3(CD2AP):c.-192A>C

Genes: CD2AP (CD2 associated protein; plus strand), CD2AP-DT (CD2AP divergent transcript; minus strand), LOC129996604 (ATAC-STARR-seq lymphoblastoid silent region 17275; plus strand). Cytogenetic location: 6p12.3.
Variant type: single nucleotide variant.
Coding change: c.-192A>C on transcript NM_012120.3 (MANE Select); 192 bases upstream of the start codon, A replaced by C.
Molecular consequence: 5 prime UTR variant.
Genome position (GRCh38, 1-based): chr6:47,478,053, A>C. VCF-style: chr6-47478053-A-C. GRCh37 (hg19) VCF-style: chr6-47445789-A-C.
Identifiers: ClinVar variation 357157 (VCV000357157.6), dbSNP rs1056434, ClinGen allele CA10622288.

ClinVar aggregate classification (germline): Benign. Review status: criteria provided, multiple submitters, no conflicts (2 of 4 stars). 2 submissions from 2 submitters: Benign (2). Last evaluated 2018-11-10.

Conditions:
Focal segmental glomerulosclerosis 3, susceptibility to (FSGS3). Identifiers: Orphanet 656, MedGen C1842982, MONDO:0011917, OMIM 607832.

Allele frequency attached by ClinVar (database versions not stated): gnomAD 0.57692 and 0.58010; TOPMed 0.58341; gnomAD exomes 0.59283; 1000 Genomes Project 30x 0.60572; 1000 Genomes Project 0.60623.
gnomAD v4.1: 413,595 of 701,490 alleles (59%); highest among the groups gnomAD compares: East Asian, 81%; 123,905 homozygotes.

Submissions (2):

GeneDx
Classification: Benign. Last evaluated: 2018-11-10. Review status: criteria provided, single submitter. Criteria: GeneDx Variant Classification Process June 2021. Collection method: clinical testing. Allele origin: germline. Affected: yes.

Illumina Laboratory Services, Illumina
Classification: Benign for Focal segmental glomerulosclerosis 3, susceptibility to. Last evaluated: 2018-01-13. Review status: criteria provided, single submitter. Criteria: ICSL Variant Classification Criteria 13 December 2019. Collection method: clinical testing. Allele origin: germline.
Comment: This variant was observed in the ICSL laboratory as part of a predisposition screen in an ostensibly healthy population. It had not been previously curated by ICSL or reported in the Human Gene Mutation Database (HGMD: prior to June 1st, 2018), and was therefore a candidate for classification through an automated scoring system. Utilizing variant allele frequency, disease prevalence and penetrance estimates, and inheritance mode, an automated score was calculated to assess if this variant is too frequent to cause the disease. Based on the score and internal cut-off values, a variant classified as benign is not then subjected to further curation. The score for this variant resulted in a classification of benign for this disease.